The following is an entry in ClinVar:

ClinVar aggregate classification (germline): Likely benign (1 of 4 stars; one submission).

gnomAD v4.1: 31 of 1,604,176 alleles (0.0019%); highest among the groups gnomAD compares: Non-Finnish European, 0.0026%; no homozygotes.

Submission:

CeGaT Center for Human Genetics Tuebingen
Classification: Likely benign. Last evaluated: 2022-09-01. Review status: criteria provided, single submitter. Criteria: CeGaT Center For Human Genetics Tuebingen Variant Classification Criteria Version 2. Collection method: clinical testing. Allele origin: germline. Affected: yes. Observed: 1 variant allele.
Comment: NKX6-2: PM2:Supporting, BP4, BP7

NM_177400.3(NKX6-2):c.471C>T (p.Gly157=)

Gene: NKX6-2 (NK6 homeobox 2; minus strand). Cytogenetic location: 10q26.3.
Variant type: single nucleotide variant.
Coding change: c.471C>T on transcript NM_177400.3 (MANE Select); coding-DNA position 471, C replaced by T.
Protein change: p.Gly157=; no amino-acid change (glycine 157 retained).
Molecular consequence: synonymous variant.
Genome position (GRCh38, 1-based): chr10:132,785,388, G>A on the plus strand (C>T on the coding strand, the complement: NKX6-2 is on the minus strand). VCF-style: chr10-132785388-G-A. GRCh37 (hg19) VCF-style: chr10-134598892-G-A.
Identifiers: ClinVar variation 2640977 (VCV002640977.24), dbSNP rs2493480818, ClinGen allele CA471962675.